The following is an entry in ClinVar:

NM_001130987.2(DYSF):c.5221C>T (p.Leu1741Phe)

Gene: DYSF (dysferlin; plus strand). Cytogenetic location: 2p13.2.
Variant type: single nucleotide variant.
Coding change: c.5221C>T on transcript NM_001130987.2 (MANE Select); coding-DNA position 5221, C replaced by T.
Protein change: p.Leu1741Phe; replaces leucine 1741 with phenylalanine.
Molecular consequence: missense variant.
Genome position (GRCh38, 1-based): chr2:71,665,208, C>T. VCF-style: chr2-71665208-C-T. GRCh37 (hg19) VCF-style: chr2-71892338-C-T.
Other names: c.5107C>T, p.Leu1703Phe (NM_001130455.2); c.5062C>T, p.Leu1688Phe (NM_001130976.2); c.5125C>T, p.Leu1709Phe (NM_001130977.2); c.5167C>T, p.Leu1723Phe (NM_001130978.2); c.5197C>T, p.Leu1733Phe (NM_001130979.2); c.5155C>T, p.Leu1719Phe (NM_001130980.2); c.5218C>T, p.Leu1740Phe (NM_001130981.2); c.5200C>T, p.Leu1734Phe (NM_001130982.2); and 5 more; short protein forms L1688F, L1709F, L1734F, L1710F, L1720F, L1723F, L1733F, L1741F.
Identifiers: ClinVar variation 2085768 (VCV002085768.2), dbSNP rs11558178, ClinGen allele CA347220990.

ClinVar aggregate classification (germline): Uncertain significance (1 of 4 stars; one submission).

Conditions:
Neuromuscular disease caused by qualitative or quantitative defects of dysferlin. Also called: Qualitative or quantitative defects of dysferlin; Dysferlinopathy. Identifiers: Orphanet 207073, MedGen C2931687, MONDO:0016145.

Allele frequency attached by ClinVar (database versions not stated): gnomAD exomes below 0.00001; TOPMed 0.00001.

Submission:

Labcorp Genetics (formerly Invitae), Labcorp
Classification: Uncertain significance for Neuromuscular disease caused by qualitative or quantitative defects of dysferlin. Last evaluated: 2022-07-08. Review status: criteria provided, single submitter. Criteria: Invitae Variant Classification Sherloc (09022015). Collection method: clinical testing. Allele origin: germline.
Comment: This sequence change replaces leucine, which is neutral and non-polar, with phenylalanine, which is neutral and non-polar, at codon 1702 of the DYSF protein (p.Leu1702Phe). In summary, the available evidence is currently insufficient to determine the role of this variant in disease. Therefore, it has been classified as a Variant of Uncertain Significance. Advanced modeling of protein sequence and biophysical properties (such as structural, functional, and spatial information, amino acid conservation, physicochemical variation, residue mobility, and thermodynamic stability) performed at Invitae indicates that this missense variant is expected to disrupt DYSF protein function. This variant has not been reported in the literature in individuals affected with DYSF-related conditions. This variant is not present in population databases (gnomAD no frequency).